The following is an entry in ClinVar:

NM_001001959.1(OR11L1):c.690C>T (p.Ser230=)

Gene: OR11L1 (olfactory receptor family 11 subfamily L member 1; minus strand). Cytogenetic location: 1q44.
Variant type: single nucleotide variant.
Coding change: c.690C>T on transcript NM_001001959.1 (MANE Select); coding-DNA position 690, C replaced by T.
Protein change: p.Ser230=; no amino-acid change (serine 230 retained).
Molecular consequence: synonymous variant.
Genome position (GRCh38, 1-based): chr1:247,841,207, G>A on the plus strand (C>T on the coding strand, the complement: OR11L1 is on the minus strand). VCF-style: chr1-247841207-G-A. GRCh37 (hg19) VCF-style: chr1-248004509-G-A.
Identifiers: ClinVar variation 4823152 (VCV004823152.4).

ClinVar aggregate classification (germline): Likely benign (1 of 4 stars; one submission).

Submission:

CeGaT Center for Human Genetics Tuebingen
Classification: Likely benign. Last evaluated: 2026-01-01. Review status: criteria provided, single submitter. Criteria: CeGaT Center For Human Genetics Tuebingen Variant Classification Criteria Version 2. Collection method: clinical testing. Allele origin: germline. Affected: yes. Observed: 1 variant allele.
Comment: OR11L1: PM2:Supporting, BP4, BP7